The following is an entry in ClinVar:

ClinVar aggregate classification (germline): Likely benign. Review status: criteria provided, multiple submitters, no conflicts (2 of 4 stars). 4 submissions from 4 submitters: Likely benign (3). 1 of the submissions does not count toward it. Last evaluated 2026-02-01.

Conditions:
HTRA2-related disorder. Also called: HTRA2-related condition.
Parkinson disease 13, autosomal dominant, susceptibility to. Identifiers: Orphanet 2828, MedGen C1853202, MONDO:0012466, OMIM 610297.

Allele frequency attached by ClinVar (database versions not stated): ExAC 0.00026; 1000 Genomes Project 0.00040; gnomAD 0.00046 and 0.00050; 1000 Genomes Project 30x 0.00047; TOPMed 0.00064; ESP Exome Variant Server 0.00077.
gnomAD v4.1: 266 of 1,613,676 alleles (0.016%); highest among the groups gnomAD compares: African/African-American, 0.17%; no homozygotes.

Submissions (4):

Labcorp Genetics (formerly Invitae), Labcorp
Classification: Likely benign. Last evaluated: 2026-02-01. Review status: criteria provided, single submitter. Criteria: Invitae Variant Classification Sherloc (09022015). Collection method: clinical testing. Allele origin: germline.

Blueprint Genetics
Classification: Likely benign. Last evaluated: 2024-11-25. Review status: criteria provided, single submitter. Criteria: ACMG Guidelines, 2015. Collection method: clinical testing. Allele origin: germline.

Illumina Laboratory Services, Illumina
Classification: Likely benign for Parkinson disease 13, autosomal dominant, susceptibility to. Last evaluated: 2018-01-13. Review status: criteria provided, single submitter. Criteria: ICSL Variant Classification Criteria 13 December 2019. Collection method: clinical testing. Allele origin: germline.
Comment: This variant was observed in the ICSL laboratory as part of a predisposition screen in an ostensibly healthy population. It had not been previously curated by ICSL or reported in the Human Gene Mutation Database (HGMD: prior to June 1st, 2018), and was therefore a candidate for classification through an automated scoring system. Utilizing variant allele frequency, disease prevalence and penetrance estimates, and inheritance mode, an automated score was calculated to assess if this variant is too frequent to cause the disease. Based on the score and internal cut-off values, a variant classified as likely benign is not then subjected to further curation. The score for this variant resulted in a classification of likely benign for this disease.

PreventionGenetics, part of Exact Sciences
Classification: Likely benign for HTRA2-related condition. Last evaluated: 2024-01-12. Review status: no assertion criteria provided. Collection method: clinical testing. Allele origin: germline. Not counted in ClinVar's aggregate classification.
Comment: This variant is classified as likely benign based on ACMG/AMP sequence variant interpretation guidelines (Richards et al. 2015 PMID: 25741868, with internal and published modifications).

NM_013247.5(HTRA2):c.1155C>T (p.Pro385=)

Genes: HTRA2 (HtrA serine peptidase 2; plus strand), LOXL3 (lysyl oxidase like 3; minus strand). Cytogenetic location: 2p13.1.
Variant type: single nucleotide variant.
Coding change: c.1155C>T on transcript NM_013247.5 (MANE Select); coding-DNA position 1155, C replaced by T.
Protein change: p.Pro385=; no amino-acid change (proline 385 retained).
Molecular consequence: synonymous variant. On other transcripts: non-coding transcript variant (4), 3 prime UTR variant (3), intron variant (3).
Genome position (GRCh38, 1-based): chr2:74,532,658, C>T. VCF-style: chr2-74532658-C-T. GRCh37 (hg19) VCF-style: chr2-74759785-C-T.
Other names: c.*948G>A (NM_001289164.3, NM_001289165.2, NM_032603.5); c.1146-162C>T (NM_001321727.1); c.1116-162C>T (NM_001321728.1); c.921-162C>T (NM_145074.2).
Identifiers: ClinVar variation 337137 (VCV000337137.17), dbSNP rs150357486, ClinGen allele CA1728579.